The following is an entry in ClinVar:

ClinVar aggregate classification (germline): Uncertain significance (1 of 4 stars; one submission).

Conditions:
Inborn genetic diseases. Identifiers: MedGen C0950123, MeSH D030342.

Submission:

Ambry Genetics
Classification: Uncertain significance for Inborn genetic diseases. Last evaluated: 2023-03-06. Review status: criteria provided, single submitter. Criteria: Ambry Variant Classification Scheme 2023. Collection method: clinical testing. Allele origin: germline.
Comment: The p.Q363R variant (also known as c.1088A>G), located in coding exon 11 of the ERCC2 gene, results from an A to G substitution at nucleotide position 1088. The glutamine at codon 363 is replaced by arginine, an amino acid with highly similar properties. This amino acid position is conserved. In addition, this alteration is predicted to be tolerated by in silico analysis. Since supporting evidence is limited at this time, the clinical significance of this alteration remains unclear.

NM_000400.4(ERCC2):c.1088A>G (p.Gln363Arg)

Gene: ERCC2 (ERCC excision repair 2, TFIIH core complex helicase subunit; minus strand). Cytogenetic location: 19q13.32.
Variant type: single nucleotide variant.
Coding change: c.1088A>G on transcript NM_000400.4 (MANE Select); coding-DNA position 1088, A replaced by G.
Protein change: p.Gln363Arg; replaces glutamine 363 with arginine.
Molecular consequence: missense variant.
Genome position (GRCh38, 1-based): chr19:45,363,773, T>C on the plus strand (A>G on the coding strand, the complement: ERCC2 is on the minus strand). VCF-style: chr19-45363773-T-C. GRCh37 (hg19) VCF-style: chr19-45867031-T-C.
Other names: c.1016A>G, p.Gln339Arg (NM_001130867.2); short protein forms Q339R, Q363R.
Identifiers: ClinVar variation 2447133 (VCV002447133.2), dbSNP rs2514028399, ClinGen allele CA406372167.